The following is an entry in ClinVar:

ClinVar aggregate classification (germline): Likely benign. Review status: criteria provided, multiple submitters, no conflicts (2 of 4 stars). 2 submissions from 2 submitters: Likely benign (2). Last evaluated 2018-01-12.

Conditions:
Factor VII-activating protease marburg I. Identifiers: MedGen CN068943.

Allele frequency attached by ClinVar (database versions not stated): gnomAD exomes 0.00042 and 0.00107; ExAC 0.00143; 1000 Genomes Project 0.00399; gnomAD 0.00441 and 0.00468; ESP Exome Variant Server 0.00500; TOPMed 0.00507; 1000 Genomes Project 30x 0.00515.

Submissions (2):

Illumina Laboratory Services, Illumina
Classification: Likely benign for Factor VII Marburg I Variant Thrombophilia. Last evaluated: 2018-01-12. Review status: criteria provided, single submitter. Criteria: ICSL Variant Classification Criteria 13 December 2019. Collection method: clinical testing. Allele origin: germline.
Comment: This variant was observed in the ICSL laboratory as part of a predisposition screen in an ostensibly healthy population. It had not been previously curated by ICSL or reported in the Human Gene Mutation Database (HGMD: prior to June 1st, 2018), and was therefore a candidate for classification through an automated scoring system. Utilizing variant allele frequency, disease prevalence and penetrance estimates, and inheritance mode, an automated score was calculated to assess if this variant is too frequent to cause the disease. Based on the score and internal cut-off values, a variant classified as likely benign is not then subjected to further curation. The score for this variant resulted in a classification of likely benign for this disease.

Breakthrough Genomics
Classification: Likely benign. Review status: criteria provided, single submitter. Criteria: ACMG Guidelines, 2015. Collection method: not provided. Allele origin: germline. Inheritance: Autosomal dominant inheritance. Affected: yes.

NM_004132.5(HABP2):c.633C>T (p.Asn211=)

Gene: HABP2 (hyaluronan binding protein 2; plus strand). Cytogenetic location: 10q25.3.
Variant type: single nucleotide variant.
Coding change: c.633C>T on transcript NM_004132.5 (MANE Select); coding-DNA position 633, C replaced by T.
Protein change: p.Asn211=; no amino-acid change (asparagine 211 retained).
Molecular consequence: synonymous variant.
Genome position (GRCh38, 1-based): chr10:113,578,691, C>T. VCF-style: chr10-113578691-C-T. GRCh37 (hg19) VCF-style: chr10-115338450-C-T.
Other names: c.555C>T, p.Asn185= (NM_001177660.3).
Identifiers: ClinVar variation 877976 (VCV000877976.5), dbSNP rs11575759, ClinGen allele CA5693713.
Genomic context (GRCh38, chr10:113,578,691, plus strand): 5'-TGATGACTGCTATGTTGGCGATGGCTACTCTTACCGAGGGAAAATGAATAGGACAGTCAA[C>T]CAGCATGCGTGCCTTTACTGGAACTCCCACCTCCTCTTGCAGGAGAATTACAACATGTTT-3'
Protein context (NP_004123.1, residues 201-221): SYRGKMNRTV[Asn211=]QHACLYWNSH